The following is an entry in ClinVar:

NM_174936.4(PCSK9):c.53T>G (p.Leu18Arg)

Gene: PCSK9 (proprotein convertase subtilisin/kexin type 9; plus strand). Cytogenetic location: 1p32.3.
Variant type: single nucleotide variant.
Coding change: c.53T>G on transcript NM_174936.4 (MANE Select); coding-DNA position 53, T replaced by G.
Protein change: p.Leu18Arg; replaces leucine 18 with arginine.
Molecular consequence: missense variant. On other transcripts: 5 prime UTR variant (1), non-coding transcript variant (8).
Genome position (GRCh38, 1-based): chr1:55,039,890, T>G. VCF-style: chr1-55039890-T-G. GRCh37 (hg19) VCF-style: chr1-55505563-T-G.
Other names: c.53T>G, p.Leu18Arg (NM_001407240.1, NM_001407241.1, NM_001407242.1 and 4 more transcripts); c.-682T>G (NM_001407246.1); short protein forms L18R.
Identifiers: ClinVar variation 3075481 (VCV003075481.2), dbSNP rs1322134519, ClinGen allele CA340482682.

ClinVar aggregate classification (germline): Uncertain significance. Review status: criteria provided, multiple submitters, no conflicts (2 of 4 stars). 2 submissions from 2 submitters: Uncertain significance (2). Last evaluated 2026-06-20.

Conditions:
Hypercholesterolemia, autosomal dominant, 3 (FHCL3). Also called: Familial Hypercholesterolemia, Autosomal Dominant, 3; PCSK9-Related Familial Hypercholesterolemia, Autosomal Dominant; Familial hypercholesterolemia 3. Identifiers: MedGen C1863551, MONDO:0011369, OMIM 603776.
Cardiovascular phenotype. Identifiers: MedGen CN230736.

Allele frequency attached by ClinVar (database versions not stated): gnomAD 0.00001; gnomAD exomes below 0.00001; TOPMed below 0.00001.
gnomAD v4.1: 2 of 1,564,192 alleles (0.00013%); highest among the groups gnomAD compares: Non-Finnish European, 0.00017%; no homozygotes.

Submissions (2):

Ambry Genetics
Classification: Uncertain significance for Cardiovascular phenotype. Last evaluated: 2026-06-20. Review status: criteria provided, single submitter. Criteria: Ambry Variant Classification Scheme 2023. Collection method: clinical testing. Allele origin: germline.
Comment: The p.L18R variant (also known as c.53T>G), located in coding exon 1 of the PCSK9 gene, results from a T to G substitution at nucleotide position 53. The leucine at codon 18 is replaced by arginine, an amino acid with dissimilar properties. This amino acid position is conserved. In addition, the in silico prediction for this alteration is inconclusive. Based on the available evidence, the clinical significance of this variant remains unclear.

All of Us Research Program, National Institutes of Health
Classification: Uncertain significance for Hypercholesterolemia, autosomal dominant, 3. Last evaluated: 2024-02-05. Review status: criteria provided, single submitter. Criteria: ACMG Guidelines, 2015. Collection method: clinical testing. Allele origin: germline. Inheritance: Autosomal dominant inheritance. Observed: 1 variant allele, 1 heterozygote.
Comment: This missense variant replaces leucine with arginine at codon 18 of the PCSK9 protein. Computational prediction suggests that this variant may not impact protein structure and function (internally defined REVEL score threshold <= 0.5, PMID: 27666373). To our knowledge, functional studies have not been reported for this variant. This variant has not been reported in individuals affected with PCSK9-related disorders in the literature. This variant has been identified in 1/169616 chromosomes in the general population by the Genome Aggregation Database (gnomAD). The available evidence is insufficient to determine the role of this variant in disease conclusively. Therefore, this variant is classified as a Variant of Uncertain Significance.

This study involves interpretation of variants in research participants for the purpose of population health screening. Participant phenotype was not available at the time of variant classification. Additional details can be found in publication PMID: 35346344, PMCID: PMC8962531